The following is an entry in ClinVar:

NM_006623.4(PHGDH):c.1024C>A (p.Leu342Met)

Gene: PHGDH (phosphoglycerate dehydrogenase; plus strand). Cytogenetic location: 1p12.
Variant type: single nucleotide variant.
Coding change: c.1024C>A on transcript NM_006623.4 (MANE Select); coding-DNA position 1024, C replaced by A.
Protein change: p.Leu342Met; replaces leucine 342 with methionine.
Molecular consequence: missense variant.
Genome position (GRCh38, 1-based): chr1:119,740,464, C>A. VCF-style: chr1-119740464-C-A. GRCh37 (hg19) VCF-style: chr1-120283087-C-A.
Other names: short protein forms L342M.
Identifiers: ClinVar variation 4530943 (VCV004530943.1).

ClinVar aggregate classification (germline): Uncertain significance (1 of 4 stars; one submission).

gnomAD v4.1: 15 of 1,608,518 alleles (0.00093%); highest among the groups gnomAD compares: Non-Finnish European, 0.0013%; no homozygotes.

Submission:

GeneDx
Classification: Uncertain significance. Last evaluated: 2025-05-20. Review status: criteria provided, single submitter. Criteria: GeneDx Variant Classification Process June 2021. Collection method: clinical testing. Allele origin: germline. Affected: yes.
Comment: Not observed at significant frequency in large population cohorts (gnomAD); In silico analysis suggests that this missense variant does not alter protein structure/function; Has not been previously published as pathogenic or benign to our knowledge